The following is an entry in ClinVar:

ClinVar aggregate classification (germline): Uncertain significance (1 of 4 stars; one submission).

Conditions:
Arrhythmogenic right ventricular dysplasia 12. Also called: ARRHYTHMOGENIC RIGHT VENTRICULAR DYSPLASIA, FAMILIAL, 12. Identifiers: MedGen C1969081, MONDO:0012684, OMIM 611528.
Naxos disease (NXD). Also called: CARDIOMYOPATHY, ARRHYTHMOGENIC RIGHT VENTRICULAR, WITH SKIN, HAIR, AND NAIL ABNORMALITIES; KERATOSIS PALMOPLANTARIS WITH ARRHYTHMOGENIC CARDIOMYOPATHY; MAL DE NAXOS; PALMOPLANTAR KERATODERMA WITH ARRHYTHMOGENIC RIGHT VENTRICULAR CARDIOMYOPATHY AND WOOLLY HAIR; WOOLLY HAIR, PALMOPLANTAR KERATODERMA, AND CARDIAC ABNORMALITIES. Identifiers: Orphanet 34217, MedGen C1832600, MONDO:0011017, OMIM 601214.

Submission:

Labcorp Genetics (formerly Invitae), Labcorp
Classification: Uncertain significance for Arrhythmogenic right ventricular dysplasia 12; Naxos disease. Last evaluated: 2020-03-19. Review status: criteria provided, single submitter. Criteria: Invitae Variant Classification Sherloc (09022015). Collection method: clinical testing. Allele origin: germline.
Comment: This variant results in a copy number gain of the genomic region encompassing the full coding sequence of the JUP gene. The boundaries of this event are unknown as they extend beyond the assayed region for this gene and therefore may encompass additional genes. As the precise location of this event is unknown, it may be in tandem or it may be located elsewhere in the genome. This variant has not been reported in the literature in individuals with JUP-related conditions. Experimental studies and prediction algorithms are not available or were not evaluated, and the functional significance of this variant is currently unknown. In summary, the available evidence is currently insufficient to determine the role of this variant in disease. Therefore, it has been classified as a Variant of Uncertain Significance.

NC_000017.10:g.(?_39911986)_(39928116_?)dup

Gene: JUP (junction plakoglobin; minus strand). Cytogenetic location: 17q21.2.
Variant type: Duplication.
Identifiers: ClinVar variation 1003534 (VCV001003534.2).